The following is an entry in ClinVar:

ClinVar aggregate classification (germline): Uncertain significance (1 of 4 stars; one submission).

Conditions:
Primary dilated cardiomyopathy (DCM). Also called: Dilated Cardiomyopathy. Identifiers: Orphanet 217604, MedGen C0007193, MeSH D002311, MONDO:0005021, HP:0001644. Inheritance: Various modes of inheritance.

gnomAD v4.1: 6 of 1,605,656 alleles (0.00037%); highest among the groups gnomAD compares: East Asian, 0.0022%; no homozygotes.

Submission:

Labcorp Genetics (formerly Invitae), Labcorp
Classification: Uncertain significance for Primary dilated cardiomyopathy. Last evaluated: 2025-03-26. Review status: criteria provided, single submitter. Criteria: Invitae Variant Classification Sherloc (09022015). Collection method: clinical testing. Allele origin: germline.
Comment: This sequence change replaces aspartic acid, which is acidic and polar, with tyrosine, which is neutral and polar, at codon 489 of the NEBL protein (p.Asp489Tyr). This variant is present in population databases (no rsID available, gnomAD 0.005%). This variant has not been reported in the literature in individuals affected with NEBL-related conditions. An algorithm developed to predict the effect of missense changes on protein structure and function (PolyPhen-2) suggests that this variant is likely to be disruptive. In summary, the available evidence is currently insufficient to determine the role of this variant in disease. Therefore, it has been classified as a Variant of Uncertain Significance.

NM_006393.3(NEBL):c.1465G>T (p.Asp489Tyr)

Gene: NEBL (nebulette; minus strand). Cytogenetic location: 10p12.31.
Variant type: single nucleotide variant.
Coding change: c.1465G>T on transcript NM_006393.3 (MANE Select); coding-DNA position 1465, G replaced by T.
Protein change: p.Asp489Tyr; replaces aspartic acid 489 with tyrosine.
Molecular consequence: missense variant. On other transcripts: intron variant (9).
Genome position (GRCh38, 1-based): chr10:20,831,568, C>A on the plus strand (G>T on the coding strand, the complement: NEBL is on the minus strand). VCF-style: chr10-20831568-C-A. GRCh37 (hg19) VCF-style: chr10-21120497-C-A.
Other names: c.250-18628G>T (NM_001377326.1, NM_001377327.1, NM_001377328.1); c.358-18628G>T (NM_213569.2, NM_001173484.2, NM_001377322.1); c.301-18628G>T (NM_001377324.1); c.292-18628G>T (NM_001377325.1); c.310-18628G>T (NM_001377323.1); short protein forms D489Y.
Identifiers: ClinVar variation 3716626 (VCV003716626.2).
Genomic context (GRCh38, chr10:20,831,568, plus strand): 5'-GGACATCAAGAGTGTCTGTGCTCACCTGCATCCCTTTCCCTTTAATTTCAGTCTCCAGAT[C>A]TCTTTTATAGTCTTTCTGCAGAAAATGAAACATACAGTTAGTGCTCTCCAATCATTTGAG-3'
Protein context (NP_006384.1, residues 479-499): EIASEKDYKR[Asp489Tyr]LETEIKGKGM